The following is an entry in ClinVar:

ClinVar aggregate classification (germline): Likely benign. Review status: criteria provided, multiple submitters, no conflicts (2 of 4 stars). 2 submissions from 2 submitters: Likely benign (2). Last evaluated 2025-02-01.

Conditions:
Microcephaly-intellectual disability-sensorineural hearing loss-epilepsy-abnormal muscle tone syndrome (NEDHSB). Also called: NEURODEVELOPMENTAL DISORDER WITH HEARING LOSS, SEIZURES, AND BRAIN ABNORMALITIES. Identifiers: Orphanet 457351, MedGen C4225276, MONDO:0014698, OMIM 616577.

gnomAD v4.1: 4 of 1,614,202 alleles (0.00025%); highest among the groups gnomAD compares: Non-Finnish European, 0.00034%; no homozygotes.

Submissions (2):

CeGaT Center for Human Genetics Tuebingen
Classification: Likely benign. Last evaluated: 2025-02-01. Review status: criteria provided, single submitter. Criteria: CeGaT Center For Human Genetics Tuebingen Variant Classification Criteria Version 2. Collection method: clinical testing. Allele origin: germline. Affected: yes. Observed: 1 variant allele.
Comment: AFG2A: BP4, BP7

Labcorp Genetics (formerly Invitae), Labcorp
Classification: Likely benign for Microcephaly-intellectual disability-sensorineural hearing loss-epilepsy-abnormal muscle tone syndrome. Last evaluated: 2023-10-18. Review status: criteria provided, single submitter. Criteria: Invitae Variant Classification Sherloc (09022015). Collection method: clinical testing. Allele origin: germline.

NM_145207.3(AFG2A):c.1824T>C (p.Asp608=)

Gene: AFG2A (AAA ATPase AFG2A; plus strand). Cytogenetic location: 4q28.1.
Variant type: single nucleotide variant.
Coding change: c.1824T>C on transcript NM_145207.3 (MANE Select); coding-DNA position 1824, T replaced by C.
Protein change: p.Asp608=; no amino-acid change (aspartic acid 608 retained).
Molecular consequence: synonymous variant.
Genome position (GRCh38, 1-based): chr4:122,979,341, T>C. VCF-style: chr4-122979341-T-C. GRCh37 (hg19) VCF-style: chr4-123900496-T-C.
Other names: c.1821T>C, p.Asp607= (NM_001317799.2, NM_001345856.2).
Identifiers: ClinVar variation 3749218 (VCV003749218.15).